The following is an entry in ClinVar:

ClinVar aggregate classification (germline): Benign (1 of 4 stars; one submission).

Allele frequency attached by ClinVar (database versions not stated): gnomAD exomes 0.00039; gnomAD 0.00364; TOPMed 0.00426; 1000 Genomes Project 0.00459.
gnomAD v4.1: 578 of 219,702 alleles (0.26%); highest among the groups gnomAD compares: African/African-American, 1.2%; 5 homozygotes.

Submission:

CeGaT Center for Human Genetics Tuebingen
Classification: Benign. Last evaluated: 2022-11-01. Review status: criteria provided, single submitter. Criteria: CeGaT Center For Human Genetics Tuebingen Variant Classification Criteria Version 2. Collection method: clinical testing. Allele origin: germline. Affected: yes. Observed: 1 variant allele.
Comment: MOCS2: BS1, BS2

NM_004531.5(MOCS2):c.*371C>T

Gene: MOCS2 (molybdenum cofactor synthesis 2; minus strand). Cytogenetic location: 5q11.2.
Variant type: single nucleotide variant.
Coding change: c.*371C>T on transcript NM_004531.5 (MANE Select); 371 bases downstream of the stop codon, C replaced by T.
Molecular consequence: 3 prime UTR variant.
Genome position (GRCh38, 1-based): chr5:53,098,231, G>A on the plus strand (C>T on the coding strand, the complement: MOCS2 is on the minus strand). VCF-style: chr5-53098231-G-A. GRCh37 (hg19) VCF-style: chr5-52394061-G-A.
Other names: c.*858C>T (NM_176806.4); c.*371C>T (NM_183418.1).
Identifiers: ClinVar variation 2655461 (VCV002655461.24), dbSNP rs140347326, ClinGen allele CA118883797.